The following is an entry in ClinVar:

ClinVar aggregate classification (germline): Uncertain significance. Review status: criteria provided, multiple submitters, no conflicts (2 of 4 stars). 2 submissions from 2 submitters: Uncertain significance (2). Last evaluated 2022-05-31.

Conditions:
Inborn genetic diseases. Identifiers: MedGen C0950123, MeSH D030342.
Alpha-N-acetylgalactosaminidase deficiency type 1. Also called: SCHINDLER DISEASE, TYPE I; ALPHA-N-ACETYLGALACTOSAMINIDASE DEFICIENCY, TYPE I; NAGA DEFICIENCY, TYPE I; NEUROAXONAL DYSTROPHY, SCHINDLER TYPE. Identifiers: Orphanet 3137, Orphanet 79279, Orphanet 79281, MedGen C1836544, MONDO:0012221, OMIM 609241.

Allele frequency attached by ClinVar (database versions not stated): TOPMed 0.00005; gnomAD 0.00007 and 0.00008; gnomAD exomes 0.00012; ExAC 0.00017; 1000 Genomes Project 0.00020; ESP Exome Variant Server 0.00023; 1000 Genomes Project 30x 0.00031.
gnomAD v4.1: 103 of 1,614,144 alleles (0.0064%); highest among the groups gnomAD compares: East Asian, 0.029%; 1 homozygote.

Submissions (2):

Ambry Genetics
Classification: Uncertain significance for Inborn genetic diseases. Last evaluated: 2022-05-31. Review status: criteria provided, single submitter. Criteria: Ambry Variant Classification Scheme 2023. Collection method: clinical testing. Allele origin: germline.

Labcorp Genetics (formerly Invitae), Labcorp
Classification: Uncertain significance for Alpha-N-acetylgalactosaminidase deficiency type 1. Last evaluated: 2022-03-12. Review status: criteria provided, single submitter. Criteria: Invitae Variant Classification Sherloc (09022015). Collection method: clinical testing. Allele origin: germline.
Comment: This sequence change replaces alanine, which is neutral and non-polar, with threonine, which is neutral and polar, at codon 291 of the NAGA protein (p.Ala291Thr). This variant is present in population databases (rs372146176, gnomAD 0.05%). This variant has not been reported in the literature in individuals affected with NAGA-related conditions. Algorithms developed to predict the effect of missense changes on protein structure and function (SIFT, PolyPhen-2, Align-GVGD) all suggest that this variant is likely to be tolerated. In summary, the available evidence is currently insufficient to determine the role of this variant in disease. Therefore, it has been classified as a Variant of Uncertain Significance.

NM_000262.3(NAGA):c.871G>A (p.Ala291Thr)

Gene: NAGA (alpha-N-acetylgalactosaminidase; minus strand). Cytogenetic location: 22q13.2.
Variant type: single nucleotide variant.
Coding change: c.871G>A on transcript NM_000262.3 (MANE Select); coding-DNA position 871, G replaced by A.
Protein change: p.Ala291Thr; replaces alanine 291 with threonine.
Molecular consequence: missense variant.
Genome position (GRCh38, 1-based): chr22:42,062,913, C>T on the plus strand (G>A on the coding strand, the complement: NAGA is on the minus strand). VCF-style: chr22-42062913-C-T. GRCh37 (hg19) VCF-style: chr22-42458917-C-T.
Other names: c.871G>A, p.Ala291Thr (NM_001362848.1, NM_001362850.1); c.871G>A (NM_000262.2); short protein forms A291T.
Identifiers: ClinVar variation 1394242 (VCV001394242.4), dbSNP rs372146176, ClinGen allele CA10263661.